The following is an entry in ClinVar:

NM_000173.7(GP1BA):c.673T>A (p.Cys225Ser)

Gene: GP1BA (glycoprotein Ib platelet subunit alpha; plus strand). Cytogenetic location: 17p13.2.
Variant type: single nucleotide variant.
Coding change: c.673T>A on transcript NM_000173.7 (MANE Select); coding-DNA position 673, T replaced by A.
Protein change: p.Cys225Ser; replaces cysteine 225 with serine.
Molecular consequence: missense variant.
Genome position (GRCh38, 1-based): chr17:4,933,277, T>A. VCF-style: chr17-4933277-T-A. GRCh37 (hg19) VCF-style: chr17-4836572-T-A.
Other names: NM_000173.7(GP1BA):c.673T>A; p.Cys225Ser; short protein forms C225S.
Identifiers: ClinVar variation 435347 (VCV000435347.17), dbSNP rs1394634674, ClinGen allele CA397318012.

ClinVar aggregate classification (germline): Pathogenic. Review status: reviewed by expert panel (3 of 4 stars). 8 submissions from 7 submitters: Pathogenic (1). 7 of the submissions do not count toward it. Last evaluated 2025-02-11.

Conditions:
Bernard Soulier syndrome (BSS). Also called: BLEEDING DISORDER, PLATELET-TYPE, 1; PLATELET GLYCOPROTEIN Ib DEFICIENCY; Giant platelet syndrome; Hemorrhagiparous thrombocytic dystrophy; Giant platelet disease; VON WILLEBRAND FACTOR RECEPTOR DEFICIENCY. Identifiers: Orphanet 274, MedGen C0005129, MeSH D001606, MONDO:0009276, OMIM 231200.
Bernard-Soulier syndrome, type A1. Identifiers: MedGen C3278148.
Bernard-Soulier syndrome, type A2, autosomal dominant (BSSA2). Also called: Bernard-Soulier syndrome, type A2 (dominant). Identifiers: Orphanet 274, MedGen C3277076, MONDO:0007930, OMIM 153670.

Allele frequency attached by ClinVar (database versions not stated): gnomAD exomes below 0.00001.

Submissions (8):

ClinGen Platelet Disorders Variant Curation Expert Panel, ClinGen
Classification: Pathogenic for Bernard Soulier syndrome. Last evaluated: 2025-02-11. Review status: reviewed by expert panel. Criteria: ClinGen Platelet ACMG Specifications GP1BA V1.0.0. Collection method: curation. Allele origin: germline. Inheritance: Autosomal recessive inheritance.
Comment: NM_000173.7(GP1BA):c.673T>A is a missense variant (p.Cys225Ser), which has been reported in at least three probands with Bernard-Soulier syndrome. Two probands are homozygous for this variant, while another proband is compound heterozygous for this variant and a pathogenic frameshift variant c.1454dup (PM3_Strong). The Grpmax filtering allele frequency in gnomAD v4.1 is 0.000005530 (based on 2/60024 alleles) in the Admixed American population, this is below <0.0001114 the threshold for PM2_supporting. The computational predictor REVEL gives a score of 0.599, which is below the ClinGen PD VCEP PP3 threshold of >0.644 and does not predict a damaging effect on GP1BA function. At least one patient (Patient M.L. in PMID:7819107) with this variant had aggregation absent for ristocetin but present for all other agonists and flow cytometry with less than 10% expression of GPIBa (PP4). This variant resides at a disulfide bond residue, Cys225, of GP1BA that is defined as a critical functional domain by the ClinGen PD VCEP (PM1). The variant has been reported to segregate with Bernard-Soulier syndrome in one proband (meeting PP4) plus one affected family member both with the compound heterozygous c.1454dup genotype (PMID:11776304). Finally, surface expression of GP1Ba measured by flow cytometry in CHO cells transiently co-transfected with the c.673T>A variant GP1Ba and wild type GP1Ba showed decreased expression at 0% (<25%) WT levels (PS3_supporting). In summary, this variant meets the criteria to be classified as pathogenic for autosomal recessive Bernard-Soulier syndrome based on the ACMG/AMP criteria applied, as specified by the ClinGen PD VCEP: PP1, PM1, PS3_supporting, PM3_strong, PP4, PM2_supporting.

Dasa
Classification: Pathogenic. Last evaluated: 2026-03-31. Review status: criteria provided, single submitter. Criteria: DASA Assertion Criteria. Collection method: clinical testing. Allele origin: germline. Not counted in ClinVar's aggregate classification.
Comment: NM_000173.7(GP1BA):c.673T>A (p.Cys225Ser) is a missense variant that results in the substitution of cysteine with serine. This variant results in the same amino acid change as a previously established pathogenic variant. The affected residue or protein region has prior evidence supporting clinical relevance. This variant has been reported in individuals with GP1BA-related disorders. Also, this variant is rare in population databases. Based on the currently available evidence, this variant is classified as pathogenic.

Labcorp Genetics (formerly Invitae), Labcorp
Classification: Pathogenic. Last evaluated: 2025-01-18. Review status: criteria provided, single submitter. Criteria: Invitae Variant Classification Sherloc (09022015). Collection method: clinical testing. Allele origin: germline. Not counted in ClinVar's aggregate classification.
Comment: This sequence change replaces cysteine, which is neutral and slightly polar, with serine, which is neutral and polar, at codon 225 of the GP1BA protein (p.Cys225Ser). This variant is present in population databases (no rsID available, gnomAD 0.003%). This missense change has been observed in individuals with Bernard-Soulier syndrome (PMID: 7819107, 11776304, 21173099). It has also been observed to segregate with disease in related individuals. This variant is also known as T715A (p.Cys209Ser). ClinVar contains an entry for this variant (Variation ID: 435347). Invitae Evidence Modeling of protein sequence and biophysical properties (such as structural, functional, and spatial information, amino acid conservation, physicochemical variation, residue mobility, and thermodynamic stability) indicates that this missense variant is expected to disrupt GP1BA protein function with a positive predictive value of 95%. Experimental studies have shown that this missense change affects GP1BA function (PMID: 11776304). For these reasons, this variant has been classified as Pathogenic.

Women's Health and Genetics/Laboratory Corporation of America, LabCorp
Classification: Pathogenic for Bernard Soulier syndrome. Last evaluated: 2024-02-23. Review status: criteria provided, single submitter. Criteria: LabCorp Variant Classification Summary - May 2015. Collection method: clinical testing. Allele origin: germline. Not counted in ClinVar's aggregate classification.
Comment: Variant summary: GP1BA c.673T>A (p.Cys225Ser) results in a non-conservative amino acid change located in the Cysteine-rich flanking region, C-terminal domain (IPR000483) of the encoded protein sequence. Four of five in-silico tools predict a damaging effect of the variant on protein function. The variant allele was found at a frequency of 4e-06 in 249268 control chromosomes (gnomAD). c.673T>A has been reported in the literature in multiple individuals affected with Bernard Soulier Syndrome (e.g. Simsek_1994, Gonzalez-Manchon_2001, Savoia_2011, Bastida_2018). These data indicate that the variant is very likely to be associated with disease. At least one publication reports experimental evidence finding that the variant results in a loss of protein expression (Gonzalez-Manchon_2001). The following publications have been ascertained in the context of this evaluation (PMID: 7819107, 21173099, 11776304, 28983057). ClinVar contains an entry for this variant (Variation ID: 435347). Based on the evidence outlined above, the variant was classified as pathogenic.

GeneDx
Classification: Pathogenic. Last evaluated: 2022-02-07. Review status: criteria provided, single submitter. Criteria: GeneDx Variant Classification Process June 2021. Collection method: clinical testing. Allele origin: germline. Affected: yes. Not counted in ClinVar's aggregate classification.
Comment: Published functional studies demonstrate a damaging effect on cell surface and intracellular expression (Gonzlez-Manchn et al., 2001); Not observed at significant frequency in large population cohorts (gnomAD); In silico analysis supports that this missense variant has a deleterious effect on protein structure/function; This variant is associated with the following publications: (PMID: 31589614, 28983057, 32757236, 11776304, 21173099, 7819107, 24934643, 25539746)

Genetic Services Laboratory, University of Chicago
Classification: Pathogenic for Bernard-Soulier syndrome, type A1. Last evaluated: 2017-03-10. Review status: criteria provided, single submitter. Criteria: ACMG Guidelines, 2015. Collection method: clinical testing. Allele origin: germline. Affected: yes. Not counted in ClinVar's aggregate classification.

ISTH-SSC Genomics in Thrombosis and Hemostasis, KU Leuven, Center for Molecular and Vascular Biology
Classification: Pathogenic for Bernard Soulier syndrome. Review status: criteria provided, single submitter. Criteria: ACMG Guidelines, 2015. Collection method: clinical testing. Allele origin: germline, paternal. Affected: yes. Observed: 1 heterozygote, 1 homozygote. Not counted in ClinVar's aggregate classification.
Comment: GoldVariant submitter: Jose María Bastida Hospital Universitario Salamanca - IBSAL, Spain

ISTH-SSC Genomics in Thrombosis and Hemostasis, KU Leuven, Center for Molecular and Vascular Biology
Classification: Likely pathogenic for Bernard-Soulier syndrome, type A2, autosomal dominant. Review status: criteria provided, single submitter. Criteria: ACMG Guidelines, 2015. Collection method: clinical testing. Allele origin: germline. Affected: yes. Observed: 5 heterozygotes. Clinical features observed: Macrothrombocytopenia, Presence of grey platelets. Not counted in ClinVar's aggregate classification.
Comment: Submitted to GoldVariant by Jose María Bastida and José Rivera; Grupo Español de Alteraciones Plaquetarias Congénitas (GEAPC)

Literature cited by the submitters: PubMed 7819107 (cited by Labcorp Genetics (formerly Invitae), Labcorp and Women's Health and Genetics/Laboratory Corporation of America, LabCorp); PubMed 11776304 (cited by Labcorp Genetics (formerly Invitae), Labcorp and Women's Health and Genetics/Laboratory Corporation of America, LabCorp); PubMed 21173099 (cited by Labcorp Genetics (formerly Invitae), Labcorp and Women's Health and Genetics/Laboratory Corporation of America, LabCorp); PubMed 28983057 (cited by Women's Health and Genetics/Laboratory Corporation of America, LabCorp and ISTH-SSC Genomics in Thrombosis and Hemostasis, KU Leuven, Center for Molecular and Vascular Biology); PubMed 34355501 (cited by ISTH-SSC Genomics in Thrombosis and Hemostasis, KU Leuven, Center for Molecular and Vascular Biology); PubMed 7855797 (cited by ISTH-SSC Genomics in Thrombosis and Hemostasis, KU Leuven, Center for Molecular and Vascular Biology).